The following is an entry in ClinVar:

NM_001126108.2(SLC12A3):c.160C>T (p.Arg54Cys)

Gene: SLC12A3 (solute carrier family 12 member 3; plus strand). Cytogenetic location: 16q13.
Variant type: single nucleotide variant.
Coding change: c.160C>T on transcript NM_001126108.2 (MANE Select); coding-DNA position 160, C replaced by T.
Protein change: p.Arg54Cys; replaces arginine 54 with cysteine.
Molecular consequence: missense variant.
Genome position (GRCh38, 1-based): chr16:56,865,395, C>T. VCF-style: chr16-56865395-C-T. GRCh37 (hg19) VCF-style: chr16-56899307-C-T.
Other names: c.160C>T, p.Arg54Cys (NM_000339.3, NM_001126107.2); short protein forms R54C.
Identifiers: ClinVar variation 1684163 (VCV001684163.2), dbSNP rs774753302, ClinGen allele CA8068926.

ClinVar aggregate classification (germline): Conflicting classifications of pathogenicity. Review status: criteria provided, conflicting classifications (1 of 4 stars). 2 submissions from 2 submitters: Likely pathogenic (1); Uncertain significance (1). Last evaluated 2024-06-13.

Conditions:
Familial hypokalemia-hypomagnesemia (GTLMNS). Also called: gitelman syndrome; HYPOMAGNESEMIA-HYPOKALEMIA, PRIMARY RENOTUBULAR, WITH HYPOCALCIURIA; POTASSIUM AND MAGNESIUM DEPLETION. Identifiers: Orphanet 358, MedGen C0268450, MONDO:0009904, OMIM 263800.

Allele frequency attached by ClinVar (database versions not stated): ExAC 0.00001; gnomAD 0.00003; gnomAD exomes 0.00003; TOPMed 0.00003.
gnomAD v4.1: 32 of 1,614,104 alleles (0.002%); highest among the groups gnomAD compares: South Asian, 0.0044%; no homozygotes.

Submissions (2):

Fulgent Genetics
Classification: Uncertain significance for Familial hypokalemia-hypomagnesemia. Last evaluated: 2024-06-13. Review status: criteria provided, single submitter. Criteria: ACMG Guidelines, 2015. Collection method: clinical testing. Allele origin: germline.

European Hospital Georges Pompidou Genetics Department, Assistance Publique - Hôpitaux de Paris AP-HP
Classification: Likely pathogenic for Familial hypokalemia-hypomagnesemia. Last evaluated: 2022-04-27. Review status: criteria provided, single submitter. Criteria: ACMG Guidelines, 2015. Collection method: clinical testing. Allele origin: germline. Affected: yes.
Comment: ACMG criteria used:PM1, PM2, PP3, PP5, PM3